The following is an entry in ClinVar:

ClinVar aggregate classification (germline): Uncertain significance (1 of 4 stars; one submission).

Submission:

GeneDx
Classification: Uncertain significance. Last evaluated: 2024-06-17. Review status: criteria provided, single submitter. Criteria: GeneDx Variant Classification Process June 2021. Collection method: clinical testing. Allele origin: germline. Affected: yes.
Comment: Not observed at significant frequency in large population cohorts (gnomAD); In silico analysis supports that this missense variant has a deleterious effect on protein structure/function; Has not been previously published as pathogenic or benign to our knowledge

NM_001379200.1(TBX1):c.710A>C (p.His237Pro)

Gene: TBX1 (T-box transcription factor 1; plus strand). Cytogenetic location: 22q11.21.
Variant type: single nucleotide variant.
Coding change: c.710A>C on transcript NM_001379200.1 (MANE Select); coding-DNA position 710, A replaced by C.
Protein change: p.His237Pro; replaces histidine 237 with proline.
Molecular consequence: missense variant.
Genome position (GRCh38, 1-based): chr22:19,764,325, A>C. VCF-style: chr22-19764325-A-C. GRCh37 (hg19) VCF-style: chr22-19751848-A-C.
Other names: c.683A>C, p.His228Pro (NM_005992.1, NM_080646.2, NM_080647.1); short protein forms H228P, H237P.
Identifiers: ClinVar variation 3391501 (VCV003391501.1).